The following is an entry in ClinVar:

NM_000136.3(FANCC):c.-79+2T>C

Gene: FANCC (FA complementation group C; minus strand). Cytogenetic location: 9q22.32.
Variant type: single nucleotide variant.
Coding change: c.-79+2T>C on transcript NM_000136.3 (MANE Select); the canonical splice donor site of the intron after 79 bases upstream of the start codon, T replaced by C.
Molecular consequence: splice donor variant.
Genome position (GRCh38, 1-based): chr9:95,317,524, A>G on the plus strand (T>C on the coding strand, the complement: FANCC is on the minus strand). VCF-style: chr9-95317524-A-G. GRCh37 (hg19) VCF-style: chr9-98079806-A-G.
Other names: c.-79+2T>C (NM_001243744.2).
Identifiers: ClinVar variation 5004151 (VCV005004151.1).

ClinVar aggregate classification (germline): Uncertain significance (1 of 4 stars; one submission).

Conditions:
Fanconi anemia complementation group C (FANCC). Also called: FANCONI PANCYTOPENIA, TYPE 3; FACC; Fanconi anemia, group C; FANCC-Related Fanconi Anemia. Identifiers: Orphanet 84, MedGen C3468041, MONDO:0009213, OMIM 227645.

Submission:

Myriad Genetics, Inc.
Classification: Uncertain significance for Fanconi anemia complementation group C. Last evaluated: 2025-09-09. Review status: criteria provided, single submitter. Criteria: Myriad Autosomal Dominant, Autosomal Recessive and X-Linked Classification Criteria (2023). Collection method: clinical testing. Allele origin: unknown.
Comment: NM_000136.2(FANCC):c.-79+2T>C is a 5' non-coding variant classified as a variant of uncertain significance in the context of Fanconi anemia, FANCC-related. c.-79+2T>C has not been observed in cases with relevant disease. Relevant functional assessments of this variant are not available in the literature.c.-79+2T>C has not been observed in referenced population frequency databases. In summary, there is insufficient evidence to classify NM_000136.2(FANCC):c.-79+2T>C as pathogenic or benign. Please note: this variant was assessed in the context of healthy population screening.